The following is an entry in ClinVar:

NC_000007.13:g.(?_151716711)_(151927426_?)dup

Genes: GALNT11 (polypeptide N-acetylgalactosaminyltransferase 11; plus strand), GALNTL5 (polypeptide N-acetylgalactosaminyltransferase like 5; plus strand), KMT2C (lysine methyltransferase 2C; minus strand). Cytogenetic location: 7q36.1.
Variant type: Duplication.
Identifiers: ClinVar variation 3245940 (VCV003245940.1).

ClinVar aggregate classification (germline): Uncertain significance (1 of 4 stars; one submission).

Submission:

Labcorp Genetics (formerly Invitae), Labcorp
Classification: Uncertain significance. Last evaluated: 2023-05-29. Review status: criteria provided, single submitter. Criteria: Invitae Variant Classification Sherloc (09022015). Collection method: clinical testing. Allele origin: unknown.
Comment: In summary, the available evidence is currently insufficient to determine the role of this variant in disease. Therefore, it has been classified as a Variant of Uncertain Significance. Experimental studies and prediction algorithms are not available or were not evaluated, and the functional significance of this variant is currently unknown. This variant has not been reported in the literature in individuals affected with KMT2C-related conditions. This variant results in a copy number gain of the genomic region encompassing exon(s) 17-59 of the KMT2C gene. This region includes the termination codon of the gene. This copy number gain extends beyond the assayed region for this gene and therefore may encompass additional genes. As the precise location of this event is unknown, it may be in tandem or it may be located elsewhere in the genome.